The following is an entry in ClinVar:

ClinVar aggregate classification (germline): Uncertain significance (1 of 4 stars; one submission).

gnomAD v4.1: 22 of 1,613,840 alleles (0.0014%); highest among the groups gnomAD compares: East Asian, 0.04%; no homozygotes.

Submission:

Labcorp Genetics (formerly Invitae), Labcorp
Classification: Uncertain significance. Last evaluated: 2025-12-24. Review status: criteria provided, single submitter. Criteria: Invitae Variant Classification Sherloc (09022015). Collection method: clinical testing. Allele origin: germline.
Comment: This sequence change replaces alanine, which is neutral and non-polar, with threonine, which is neutral and polar, at codon 106 of the EFL1 protein (p.Ala106Thr). This variant is present in population databases (rs773536828, gnomAD 0.1%). This variant has not been reported in the literature in individuals affected with EFL1-related conditions. Invitae Evidence Modeling of protein sequence and biophysical properties (such as structural, functional, and spatial information, amino acid conservation, physicochemical variation, residue mobility, and thermodynamic stability) indicates that this missense variant is expected to disrupt EFL1 protein function with a positive predictive value of 80%. In summary, the available evidence is currently insufficient to determine the role of this variant in disease. Therefore, it has been classified as a Variant of Uncertain Significance.

NM_024580.6(EFL1):c.316G>A (p.Ala106Thr)

Gene: EFL1 (elongation factor like GTPase 1; minus strand). Cytogenetic location: 15q25.2.
Variant type: single nucleotide variant.
Coding change: c.316G>A on transcript NM_024580.6 (MANE Select); coding-DNA position 316, G replaced by A.
Protein change: p.Ala106Thr; replaces alanine 106 with threonine.
Molecular consequence: missense variant. On other transcripts: 5 prime UTR variant (1), non-coding transcript variant (1).
Genome position (GRCh38, 1-based): chr15:82,241,332, C>T on the plus strand (G>A on the coding strand, the complement: EFL1 is on the minus strand). VCF-style: chr15-82241332-C-T. GRCh37 (hg19) VCF-style: chr15-82533673-C-T.
Other names: c.163G>A, p.Ala55Thr (NM_001040610.3); c.-474G>A (NM_001322844.2); c.316G>A, p.Ala106Thr (NM_001322845.2); short protein forms A55T, A106T.
Identifiers: ClinVar variation 4695621 (VCV004695621.1).